The following is an entry in ClinVar:

ClinVar aggregate classification (germline): Pathogenic (1 of 4 stars; one submission).

Submission:

Labcorp Genetics (formerly Invitae), Labcorp
Classification: Pathogenic. Last evaluated: 2022-11-25. Review status: criteria provided, single submitter. Criteria: Invitae Variant Classification Sherloc (09022015). Collection method: clinical testing. Allele origin: germline.
Comment: This sequence change creates a premature translational stop signal (p.Asn147Lysfs*2) in the SETBP1 gene. It is expected to result in an absent or disrupted protein product. Loss-of-function variants in SETBP1 are known to be pathogenic (PMID: 21037274, 25217958). For these reasons, this variant has been classified as Pathogenic. This variant has not been reported in the literature in individuals affected with SETBP1-related conditions. This variant is not present in population databases (gnomAD no frequency).

Literature cited by the submitters: PubMed 21037274; PubMed 25217958.

NM_015559.3(SETBP1):c.440dup (p.Asn147fs)

Gene: SETBP1 (SET binding protein 1; plus strand). Cytogenetic location: 18q12.3.
Variant type: Duplication.
Coding change: c.440dup on transcript NM_015559.3 (MANE Select); coding-DNA position 440, one base duplicated (A; older notation c.440dupA).
Protein change: p.Asn147fs; shifts the reading frame from asparagine 147.
Molecular consequence: frameshift variant.
Genome position (GRCh38, 1-based): chr18:44,701,786, A duplicated; the last of 6 consecutive A bases (chr18:44,701,781-44,701,786); duplicating any one gives the same sequence. VCF-style (leftmost placement, unchanged base first): chr18-44701780-G-GA. GRCh37 (hg19) VCF-style: chr18-42281745-G-GA.
Other names: c.440dup, p.Asn147fs (NM_001130110.2, NM_001379141.1, NM_001379142.1); c.440dup, p.Asn147Lysfs (NM_001410862.1); short protein forms N147fs.
Identifiers: ClinVar variation 2023307 (VCV002023307.4), dbSNP rs2511334156, ClinGen allele CA2580095697.